The following is an entry in ClinVar:

ClinVar aggregate classification (germline): Uncertain significance (1 of 4 stars; one submission).

Conditions:
Cardiovascular phenotype. Identifiers: MedGen CN230736.

Submission:

Ambry Genetics
Classification: Uncertain significance for Cardiovascular phenotype. Last evaluated: 2024-08-28. Review status: criteria provided, single submitter. Criteria: Ambry Variant Classification Scheme 2023. Collection method: clinical testing. Allele origin: germline.
Comment: The p.S36A variant (also known as c.106T>G), located in coding exon 1 of the BRAF gene, results from a T to G substitution at nucleotide position 106. The serine at codon 36 is replaced by alanine, an amino acid with similar properties. This amino acid position is conserved. In addition, this alteration is predicted to be tolerated by in silico analysis. Since supporting evidence is limited at this time, the clinical significance of this alteration remains unclear.

NM_004333.6(BRAF):c.106T>G (p.Ser36Ala)

Gene: BRAF (B-Raf proto-oncogene, serine/threonine kinase; minus strand). Cytogenetic location: 7q34.
Variant type: single nucleotide variant.
Coding change: c.106T>G on transcript NM_004333.6 (MANE Select); coding-DNA position 106, T replaced by G.
Protein change: p.Ser36Ala; replaces serine 36 with alanine.
Molecular consequence: missense variant.
Genome position (GRCh38, 1-based): chr7:140,924,598, A>C on the plus strand (T>G on the coding strand, the complement: BRAF is on the minus strand). VCF-style: chr7-140924598-A-C. GRCh37 (hg19) VCF-style: chr7-140624398-A-C.
Other names: c.106T>G, p.Ser36Ala (NM_001354609.2, NM_001374244.1, NM_001374258.1 and 7 more transcripts); short protein forms S36A.
Identifiers: ClinVar variation 1783131 (VCV001783131.3), dbSNP rs2129153192, ClinGen allele CA369590088.